The following is an entry in ClinVar:

NM_001318852.2(MAPK8IP3):c.1230G>A (p.Val410=)

Gene: MAPK8IP3 (mitogen-activated protein kinase 8 interacting protein 3; plus strand). Cytogenetic location: 16p13.3.
Variant type: single nucleotide variant.
Coding change: c.1230G>A on transcript NM_001318852.2 (MANE Select); coding-DNA position 1230, G replaced by A.
Protein change: p.Val410=; no amino-acid change (valine 410 retained).
Molecular consequence: synonymous variant. On other transcripts: intron variant (1).
Genome position (GRCh38, 1-based): chr16:1,758,979, G>A. VCF-style: chr16-1758979-G-A. GRCh37 (hg19) VCF-style: chr16-1808980-G-A.
Other names: c.1227G>A, p.Val409= (NM_015133.5, NM_033392.3); c.1225+820G>A (NM_001040439.2).
Identifiers: ClinVar variation 3032978 (VCV003032978.2), dbSNP rs200690833, ClinGen allele CA7816739.

ClinVar aggregate classification (germline): Likely benign (0 of 4 stars; one submission).

Conditions:
MAPK8IP3-related disorder. Also called: MAPK8IP3-related condition.

Allele frequency attached by ClinVar (database versions not stated): gnomAD 0.00005; ExAC 0.00007; gnomAD exomes 0.00009; TOPMed 0.00009.
gnomAD v4.1: 130 of 1,614,060 alleles (0.0081%); highest among the groups gnomAD compares: Admixed American, 0.012%; no homozygotes.

Submission:

PreventionGenetics, part of Exact Sciences
Classification: Likely benign for MAPK8IP3-related condition. Last evaluated: 2022-06-08. Review status: no assertion criteria provided. Collection method: clinical testing. Allele origin: germline.
Comment: This variant is classified as likely benign based on ACMG/AMP sequence variant interpretation guidelines (Richards et al. 2015 PMID: 25741868, with internal and published modifications).